The following is an entry in ClinVar:

NM_032578.4(MYPN):c.3433A>C (p.Lys1145Gln)

Gene: MYPN (myopalladin; plus strand). Cytogenetic location: 10q21.3.
Variant type: single nucleotide variant.
Coding change: c.3433A>C on transcript NM_032578.4 (MANE Select); coding-DNA position 3433, A replaced by C.
Protein change: p.Lys1145Gln; replaces lysine 1145 with glutamine.
Molecular consequence: missense variant. On other transcripts: non-coding transcript variant (2).
Genome position (GRCh38, 1-based): chr10:68,199,515, A>C. VCF-style: chr10-68199515-A-C. GRCh37 (hg19) VCF-style: chr10-69959272-A-C.
Other names: c.3433A>C, p.Lys1145Gln (NM_001256267.2); c.2551A>C, p.Lys851Gln (NM_001256268.2); short protein forms K1145Q, K851Q.
Identifiers: ClinVar variation 857092 (VCV000857092.11), dbSNP rs768125215, ClinGen allele CA208226167.
Genomic context (GRCh38, chr10:68,199,515, plus strand): 5'-GAGACCGGAGTCCACTCTCTGCTCATTGACCCACTCACTCAGCGCGACGCAGGGACCTAT[A>C]AGTGCATCGCTACCAACAAAACCGGGCAGAATTCTTTTAGTCTGGAGCTCTCTGTAGTAG-3'
Protein context (NP_115967.2, residues 1135-1155): PLTQRDAGTY[Lys1145Gln]CIATNKTGQN

ClinVar aggregate classification (germline): Uncertain significance. Review status: criteria provided, multiple submitters, no conflicts (2 of 4 stars). 3 submissions from 3 submitters: Uncertain significance (3). Last evaluated 2025-05-03.

Conditions:
Cardiovascular phenotype. Identifiers: MedGen CN230736.
Dilated cardiomyopathy 1KK (CMD1KK). Identifiers: Orphanet 154, Orphanet 75249, MedGen C3714995, MONDO:0014100, OMIM 615248.

Allele frequency attached by ClinVar (database versions not stated): TOPMed below 0.00001; gnomAD 0.00001; gnomAD exomes 0.00002.
gnomAD v4.1: 50 of 1,614,008 alleles (0.0031%); highest among the groups gnomAD compares: Non-Finnish European, 0.0042%; no homozygotes.

Submissions (3):

Ambry Genetics
Classification: Uncertain significance for Cardiovascular phenotype. Last evaluated: 2025-05-03. Review status: criteria provided, single submitter. Criteria: Ambry Variant Classification Scheme 2023. Collection method: clinical testing. Allele origin: germline.
Comment: The p.K1145Q variant (also known as c.3433A>C), located in coding exon 16 of the MYPN gene, results from an A to C substitution at nucleotide position 3433. The lysine at codon 1145 is replaced by glutamine, an amino acid with similar properties. This amino acid position is poorly conserved in available vertebrate species. In addition, this alteration is predicted to be tolerated by in silico analysis. Since supporting evidence is limited at this time, the clinical significance of this alteration remains unclear.

GeneDx
Classification: Uncertain significance. Last evaluated: 2024-04-30. Review status: criteria provided, single submitter. Criteria: GeneDx Variant Classification Process June 2021. Collection method: clinical testing. Allele origin: germline. Affected: yes.
Comment: In silico analysis indicates that this missense variant does not alter protein structure/function; Has not been previously published as pathogenic or benign to our knowledge

Labcorp Genetics (formerly Invitae), Labcorp
Classification: Uncertain significance for Dilated cardiomyopathy 1KK. Last evaluated: 2023-11-28. Review status: criteria provided, single submitter. Criteria: Invitae Variant Classification Sherloc (09022015). Collection method: clinical testing. Allele origin: germline.
Comment: This sequence change replaces lysine, which is basic and polar, with glutamine, which is neutral and polar, at codon 1145 of the MYPN protein (p.Lys1145Gln). This variant is present in population databases (rs768125215, gnomAD 0.004%). This variant has not been reported in the literature in individuals affected with MYPN-related conditions. ClinVar contains an entry for this variant (Variation ID: 857092). An algorithm developed to predict the effect of missense changes on protein structure and function (PolyPhen-2) suggests that this variant¬†is likely to be tolerated. In summary, the available evidence is currently insufficient to determine the role of this variant in disease. Therefore, it has been classified as a Variant of Uncertain Significance.